The following is an entry in ClinVar:

NM_006767.4(LZTR1):c.444dup (p.Lys149Ter)

Gene: LZTR1 (leucine zipper like post translational regulator 1; plus strand). Cytogenetic location: 22q11.21.
Variant type: Duplication.
Coding change: c.444dup on transcript NM_006767.4 (MANE Select); coding-DNA position 444, one base duplicated (T; older notation c.444dupT).
Protein change: p.Lys149Ter; replaces lysine 149 with a stop codon.
Molecular consequence: nonsense.
Genome position (GRCh38, 1-based): chr22:20,988,053, T duplicated. VCF-style (leftmost placement, unchanged base first): chr22-20988052-A-AT. GRCh37 (hg19) VCF-style: chr22-21342341-A-AT.
Other names: short protein forms K149*.
Identifiers: ClinVar variation 3970885 (VCV003970885.1).

ClinVar aggregate classification (germline): Pathogenic (1 of 4 stars; one submission).

Conditions:
Cardiovascular phenotype. Identifiers: MedGen CN230736.
Hereditary cancer-predisposing syndrome. Also called: Tumor predisposition; Hereditary neoplastic syndrome; Hereditary Cancer Syndrome; Neoplastic Syndromes, Hereditary. Identifiers: Orphanet 140162, MedGen C0027672, MeSH D009386, MONDO:0015356.

Submission:

Ambry Genetics
Classification: Pathogenic for Cardiovascular phenotype; Hereditary cancer-predisposing syndrome. Last evaluated: 2025-03-21. Review status: criteria provided, single submitter. Criteria: Ambry Variant Classification Scheme 2023. Collection method: clinical testing. Allele origin: germline.
Comment: The c.444dupT pathogenic mutation, located in coding exon 5 of the LZTR1 gene, results from a duplication of T at nucleotide position 444, causing a translational frameshift with a predicted alternate stop codon (p.K149*). This variant is considered to be rare based on population cohorts in the Genome Aggregation Database (gnomAD). This alteration is expected to result in loss of function by premature protein truncation or nonsense-mediated mRNA decay. Loss-of-function variants in LZTR1 are related to an increased risk for schwannomas and autosomal recessive Noonan syndrome; however, such associations with autosomal dominant Noonan syndrome have not been observed (Piotrowski A et al. Nat Genet. 2014 Feb;46:182-7; Yamamoto GL et al. J Med Genet. 2015 Jun;52:413-21; Johnston JJ et al. Genet Med. 2018 10;20:1175-1185). Based on the supporting evidence, this variant is pathogenic for an increased risk of LZTR1-related schwannomatosis (SWN) and would be expected to cause autosomal recessive Noonan syndrome when present along with a second pathogenic or likely pathogenic variant on the other allele; however, the association of this alteration with autosomal dominant Noonan syndrome is unlikely.